The following is an entry in ClinVar:

NM_000548.5(TSC2):c.5259+48_5260-16del

Gene: TSC2 (TSC complex subunit 2; plus strand). Cytogenetic location: 16p13.3.
Variant type: Deletion.
Coding change: c.5259+48_5260-16del on transcript NM_000548.5 (MANE Select); 48 bases into the intron after coding-DNA position 5259 through 16 bases into the intron before coding-DNA position 5260, 58 bases deleted.
Molecular consequence: intron variant.
Genome position (GRCh38, 1-based): chr16:2,088,373-2,088,430, 58 bases deleted. GRCh37 (hg19): chr16:2,138,374-2,138,431.
Other names: c.4458+48_4459-16del (NM_001406688.1, NM_001406687.1); c.5001+48_5002-16del (NM_001406677.1); c.5043+48_5044-16del (NM_001406675.1); c.5040+48_5041-16del (NM_001406676.1); c.4914+48_4915-16del (NM_001318829.2); c.4911+48_4912-16del (NM_001406679.1); c.4461+48_4462-16del (NM_001406686.1, NM_001406685.1); c.5091+48_5092-16del (NM_001318832.2); and 27 more.
Identifiers: ClinVar variation 4875288 (VCV004875288.2).

ClinVar aggregate classification (germline): Uncertain significance (1 of 4 stars; one submission).

Submission:

CeGaT Center for Human Genetics Tuebingen
Classification: Uncertain significance. Last evaluated: 2026-06-01. Review status: criteria provided, single submitter. Criteria: CeGaT Center For Human Genetics Tuebingen Variant Classification Criteria Version 2. Collection method: clinical testing. Allele origin: germline. Affected: yes. Observed: 1 variant allele.
Comment: TSC2: PM2, PP3